The following is an entry in ClinVar:

NM_201384.3(PLEC):c.4099G>T (p.Ala1367Ser)

Gene: PLEC (plectin; minus strand). Cytogenetic location: 8q24.3.
Variant type: single nucleotide variant.
Coding change: c.4099G>T on transcript NM_201384.3 (MANE Select); coding-DNA position 4099, G replaced by T.
Protein change: p.Ala1367Ser; replaces alanine 1367 with serine.
Molecular consequence: missense variant.
Genome position (GRCh38, 1-based): chr8:143,925,830, C>A on the plus strand (G>T on the coding strand, the complement: PLEC is on the minus strand). VCF-style: chr8-143925830-C-A. GRCh37 (hg19) VCF-style: chr8-144999998-C-A.
Other names: c.4180G>T, p.Ala1394Ser (NM_000445.5); c.4057G>T, p.Ala1353Ser (NM_201378.4); c.4033G>T, p.Ala1345Ser (NM_201379.3); c.4510G>T, p.Ala1504Ser (NM_201380.4); c.4003G>T, p.Ala1335Ser (NM_201381.3); c.4099G>T, p.Ala1367Ser (NM_201382.4); c.4111G>T, p.Ala1371Ser (NM_201383.3); short protein forms A1335S, A1345S, A1371S, A1504S, A1353S, A1367S, A1394S.
Identifiers: ClinVar variation 1494210 (VCV001494210.8), dbSNP rs782149971, ClinGen allele CA372561280.
Genomic context (GRCh38, chr8:143,925,830, plus strand): 5'-CCGCCTGTGCCTTTGCCTGGGCGTGCGCCTCGGCCAGCTGCCGCTGCTTCTCCAGCGCGG[C>A]CTCCACCTCGGCCAGCCGCTCGCGCTCCTCTGCCCGCTGCTGCTCAGCCAGCCTCTGTGG-3'
Protein context (NP_958786.1, residues 1357-1377): EERERLAEVE[Ala1367Ser]ALEKQRQLAE

ClinVar aggregate classification (germline): Uncertain significance (1 of 4 stars; one submission).

Conditions:
Epidermolysis bullosa simplex 5B, with muscular dystrophy (EBS5B). Also called: EPIDERMOLYSIS BULLOSA SIMPLEX AND LIMB-GIRDLE MUSCULAR DYSTROPHY; Epidermolysis bullosa simplex with muscular dystrophy. Identifiers: Orphanet 257, MedGen C2931072, MONDO:0009181, OMIM 226670.
Epidermolysis bullosa simplex 5C, with pyloric atresia (EBS5C). Also called: PLEC1-Related Epidermolysis Bullosa with Pyloric Atresia; PLEC-Related Epidermolysis Bullosa with Pyloric Atresia; Epidermolysis bullosa simplex with pyloric atresia. Identifiers: Orphanet 158684, MedGen C2677349, MONDO:0012807, OMIM 612138.
Epidermolysis bullosa simplex, Ogna type (EBS5A). Also called: Pidermolysis bullosa simplex 5A, Ogna type; EPIDERMOLYSIS BULLOSA SIMPLEX 5A, OGNA TYPE. Identifiers: Orphanet 79401, MedGen C0432317, MONDO:0007555, OMIM 131950.
Autosomal recessive limb-girdle muscular dystrophy type 2Q (LGMDR17). Also called: MUSCULAR DYSTROPHY, LIMB-GIRDLE, AUTOSOMAL RECESSIVE 17. Identifiers: Orphanet 254361, MedGen C3150989, MONDO:0013390, OMIM 613723.
Epidermolysis bullosa simplex with nail dystrophy (EBS5D). Identifiers: MedGen C4225309, MONDO:0014661, OMIM 616487.

Allele frequency attached by ClinVar (database versions not stated): gnomAD exomes below 0.00001.
gnomAD v4.1: 2 of 1,558,146 alleles (0.00013%); highest among the groups gnomAD compares: South Asian, 0.0012%; no homozygotes.

Submission:

Labcorp Genetics (formerly Invitae), Labcorp
Classification: Uncertain significance for Autosomal recessive limb-girdle muscular dystrophy type 2Q; Epidermolysis bullosa simplex, Ogna type; Epidermolysis bullosa simplex with nail dystrophy; Epidermolysis bullosa simplex 5C, with pyloric atresia; Epidermolysis bullosa simplex 5B, with muscular dystrophy. Last evaluated: 2020-11-13. Review status: criteria provided, single submitter. Criteria: Invitae Variant Classification Sherloc (09022015). Collection method: clinical testing. Allele origin: germline.
Comment: This sequence change replaces alanine with serine at codon 1394 of the PLEC protein (p.Ala1394Ser). The alanine residue is highly conserved and there is a moderate physicochemical difference between alanine and serine. The frequency data for this variant in the population databases is considered unreliable, as metrics indicate insufficient coverage at this position in the ExAC database. This variant has not been reported in the literature in individuals with PLEC-related conditions. Algorithms developed to predict the effect of missense changes on protein structure and function are either unavailable or do not agree on the potential impact of this missense change (SIFT: "Deleterious"; PolyPhen-2: "Not Available"; Align-GVGD: "Class C65"). In summary, the available evidence is currently insufficient to determine the role of this variant in disease. Therefore, it has been classified as a Variant of Uncertain Significance.